The following is an entry in ClinVar:

ClinVar aggregate classification (germline): Uncertain significance (1 of 4 stars; one submission).

Submission:

GeneDx
Classification: Uncertain significance. Last evaluated: 2020-06-10. Review status: criteria provided, single submitter. Criteria: GeneDx Variant Classification Process June 2021. Collection method: clinical testing. Allele origin: germline. Affected: yes.
Comment: Not observed in large population cohorts (Lek et al., 2016); In silico analysis supports that this missense variant does not alter protein structure/function; Has not been previously published as pathogenic or benign to our knowledge

NM_003070.5(SMARCA2):c.2794A>T (p.Ile932Leu)

Gene: SMARCA2 (SWI/SNF related, matrix associated, actin dependent regulator of chromatin, subfamily a, member 2; plus strand). Cytogenetic location: 9p24.3.
Variant type: single nucleotide variant.
Coding change: c.2794A>T on transcript NM_003070.5 (MANE Select); coding-DNA position 2794, A replaced by T.
Protein change: p.Ile932Leu; replaces isoleucine 932 with leucine.
Molecular consequence: missense variant.
Genome position (GRCh38, 1-based): chr9:2,088,524, A>T. VCF-style: chr9-2088524-A-T. GRCh37 (hg19) VCF-style: chr9-2088524-A-T.
Other names: c.2794A>T, p.Ile932Leu (NM_001289396.2, NM_139045.4); c.2620A>T, p.Ile874Leu (NM_001289397.2); short protein forms I932L, I874L.
Identifiers: ClinVar variation 430530 (VCV000430530.4), dbSNP rs1131692008, ClinGen allele CA372785418.